The following is an entry in ClinVar:

ClinVar aggregate classification (germline): Uncertain significance (1 of 4 stars; one submission).

Conditions:
Hereditary cancer-predisposing syndrome. Also called: Hereditary neoplastic syndrome; Neoplastic Syndromes, Hereditary; Tumor predisposition; Hereditary Cancer Syndrome. Identifiers: Orphanet 140162, MedGen C0027672, MeSH D009386, MONDO:0015356.

Submission:

Ambry Genetics
Classification: Uncertain significance for Hereditary cancer-predisposing syndrome. Last evaluated: 2025-08-12. Review status: criteria provided, single submitter. Criteria: Ambry Variant Classification Scheme 2023. Collection method: clinical testing. Allele origin: germline.
Comment: The p.L774* variant (also known as c.2321T>G), located in coding exon 15 of the PDGFRA gene, results from a T to G substitution at nucleotide position 2321. This changes the amino acid from a leucine to a stop codon within coding exon 15. This alteration is expected to result in protein truncation or nonsense-mediated mRNA decay. However, loss of function of PDGFRA has not been established as a mechanism of disease. Based on the available evidence, the clinical significance of this alteration remains unclear..

NM_006206.6(PDGFRA):c.2321T>G (p.Leu774Ter)

Gene: PDGFRA (platelet derived growth factor receptor alpha; plus strand). Cytogenetic location: 4q12.
Variant type: single nucleotide variant.
Coding change: c.2321T>G on transcript NM_006206.6 (MANE Select); coding-DNA position 2321, T replaced by G.
Protein change: p.Leu774Ter; replaces leucine 774 with a stop codon.
Molecular consequence: nonsense.
Genome position (GRCh38, 1-based): chr4:54,280,480, T>G. VCF-style: chr4-54280480-T-G. GRCh37 (hg19) VCF-style: chr4-55146647-T-G.
Other names: c.2321T>G, p.Leu774Ter (NM_001347827.2, NM_001347829.2); c.2396T>G, p.Leu799Ter (NM_001347828.2); c.2360T>G, p.Leu787Ter (NM_001347830.2); short protein forms L787*, L774*, L799*.
Identifiers: ClinVar variation 4134005 (VCV004134005.1).